The following is an entry in ClinVar:

NM_000135.4(FANCA):c.1265G>A (p.Cys422Tyr)

Gene: FANCA (FA complementation group A; minus strand). Cytogenetic location: 16q24.3.
Variant type: single nucleotide variant.
Coding change: c.1265G>A on transcript NM_000135.4 (MANE Select); coding-DNA position 1265, G replaced by A.
Protein change: p.Cys422Tyr; replaces cysteine 422 with tyrosine.
Molecular consequence: missense variant.
Genome position (GRCh38, 1-based): chr16:89,791,497, C>T on the plus strand (G>A on the coding strand, the complement: FANCA is on the minus strand). VCF-style: chr16-89791497-C-T. GRCh37 (hg19) VCF-style: chr16-89857905-C-T.
Other names: c.1265G>A, p.Cys422Tyr (NM_001286167.3); c.1265G>A (NM_000135.2); short protein forms C422Y.
Identifiers: ClinVar variation 1446411 (VCV001446411.7), dbSNP rs759128726, ClinGen allele CA8252421.

ClinVar aggregate classification (germline): Uncertain significance. Review status: criteria provided, multiple submitters, no conflicts (2 of 4 stars). 3 submissions from 3 submitters: Uncertain significance (3). Last evaluated 2024-11-22.

Conditions:
Inborn genetic diseases. Identifiers: MedGen C0950123, MeSH D030342.
Fanconi anemia (FA). Also called: Fanconi's anemia. Identifiers: Orphanet 84, MedGen C0015625, MeSH D005199, MONDO:0019391.
Fanconi anemia complementation group A (FANCA). Also called: FANCA-Related Fanconi Anemia; Fanconi anemia, group A. Identifiers: Orphanet 84, MedGen C3469521, MONDO:0009215, OMIM 227650.

Allele frequency attached by ClinVar (database versions not stated): TOPMed below 0.00001; gnomAD 0.00001; gnomAD exomes 0.00001; ExAC 0.00002.
gnomAD v4.1: 5 of 1,614,068 alleles (0.00031%); highest among the groups gnomAD compares: Non-Finnish European, 0.00042%; no homozygotes.

Submissions (3):

Ambry Genetics
Classification: Uncertain significance for Inborn genetic diseases. Last evaluated: 2024-11-22. Review status: criteria provided, single submitter. Criteria: Ambry Variant Classification Scheme 2023. Collection method: clinical testing. Allele origin: germline.
Comment: The p.C422Y variant (also known as c.1265G>A), located in coding exon 14 of the FANCA gene, results from a G to A substitution at nucleotide position 1265. The cysteine at codon 422 is replaced by tyrosine, an amino acid with highly dissimilar properties. This amino acid position is conserved. In addition, this alteration is predicted to be tolerated by in silico analysis. Based on the available evidence, the clinical significance of this variant remains unclear.

Fulgent Genetics
Classification: Uncertain significance for Fanconi anemia complementation group A. Last evaluated: 2024-05-23. Review status: criteria provided, single submitter. Criteria: ACMG Guidelines, 2015. Collection method: clinical testing. Allele origin: germline.

Labcorp Genetics (formerly Invitae), Labcorp
Classification: Uncertain significance for Fanconi anemia. Last evaluated: 2021-08-20. Review status: criteria provided, single submitter. Criteria: Invitae Variant Classification Sherloc (09022015). Collection method: clinical testing. Allele origin: germline.
Comment: This sequence change replaces cysteine with tyrosine at codon 422 of the FANCA protein (p.Cys422Tyr). The cysteine residue is weakly conserved and there is a large physicochemical difference between cysteine and tyrosine. This variant is present in population databases (rs759128726, ExAC 0.003%). This variant has not been reported in the literature in individuals affected with FANCA-related conditions. Algorithms developed to predict the effect of missense changes on protein structure and function output the following: SIFT: "Tolerated"; PolyPhen-2: "Benign"; Align-GVGD: "Class C0". The tyrosine amino acid residue is found in multiple mammalian species, which suggests that this missense change does not adversely affect protein function. In summary, the available evidence is currently insufficient to determine the role of this variant in disease. Therefore, it has been classified as a Variant of Uncertain Significance.